The following is an entry in ClinVar:

ClinVar aggregate classification (germline): Conflicting classifications of pathogenicity. Review status: criteria provided, conflicting classifications (1 of 4 stars). 3 submissions from 3 submitters: Uncertain significance (2); Benign (1). Last evaluated 2023-11-07.

Conditions:
Oto-palato-digital syndrome, type II (OPD2). Also called: FACIOPALATOOSSEOUS SYNDROME; OPD II SYNDROME; Otopalatodigital Syndrome, Type II; Otopalatodigital Syndrome Type 2 (FLNA-OPD2). Identifiers: Orphanet 669, Orphanet 90652, MedGen C1844696, MONDO:0010571, OMIM 304120.
Melnick-Needles syndrome (MNS). Also called: MELNICK-NEEDLES OSTEODYSPLASTY; OSTEODYSPLASTY OF MELNICK AND NEEDLES; Melnick-Needles Syndrome (FLNA-MNS). Identifiers: Orphanet 2484, MedGen C0025237, MONDO:0010650, OMIM 309350.
Frontometaphyseal dysplasia (FMD1). Identifiers: Orphanet 1826, MedGen C0265293, MONDO:0015942.
Heterotopia, periventricular, X-linked dominant (PVNH1). Also called: PERIVENTRICULAR NODULAR HETEROTOPIA 1; X-linked periventricular heterotopia; PERIVENTRICULAR NODULAR HETEROTOPIA 4; HETEROTOPIA, PERIVENTRICULAR, 1. Identifiers: Orphanet 2149, Orphanet 82004, MedGen C1848213, MONDO:0010233, OMIM 300049.

Allele frequency attached by ClinVar (database versions not stated): gnomAD 0.00005 and 0.00001; gnomAD exomes 0.00001 and 0.00003; ExAC 0.00002.
gnomAD v4.1: 11 of 1,207,897 alleles (0.00091%); highest among the groups gnomAD compares: East Asian, 0.015%; no homozygotes.

Submissions (3):

Labcorp Genetics (formerly Invitae), Labcorp
Classification: Benign for Oto-palato-digital syndrome, type II; Heterotopia, periventricular, X-linked dominant; Frontometaphyseal dysplasia; Melnick-Needles syndrome. Last evaluated: 2023-11-07. Review status: criteria provided, single submitter. Criteria: Invitae Variant Classification Sherloc (09022015). Collection method: clinical testing. Allele origin: germline.

GeneDx
Classification: Uncertain significance. Last evaluated: 2021-07-13. Review status: criteria provided, single submitter. Criteria: GeneDx Variant Classification Process June 2021. Collection method: clinical testing. Allele origin: germline. Affected: yes.
Comment: Has not been previously published as pathogenic or benign to our knowledge; Reported in ClinVar as a variant of uncertain significance (ClinVar Variant ID# 190185; Landrum et al., 2016); In silico analysis supports that this missense variant has a deleterious effect on protein structure/function; This variant is associated with the following publications: (PMID: 26582918, 27535533)

Claritas Genomics
Classification: Uncertain significance for periventricular nodular heterotopia. Last evaluated: 2013-10-03. Review status: criteria provided, single submitter. Criteria: ACMG Guidelines, 2007. Collection method: clinical testing. Allele origin: germline. Inheritance: X-linked inheritance.

NM_001110556.2(FLNA):c.1850C>T (p.Ser617Leu)

Gene: FLNA (filamin A; minus strand). Cytogenetic location: Xq28.
Variant type: single nucleotide variant.
Coding change: c.1850C>T on transcript NM_001110556.2 (MANE Select); coding-DNA position 1850, C replaced by T.
Protein change: p.Ser617Leu; replaces serine 617 with leucine.
Molecular consequence: missense variant.
Genome position (GRCh38, 1-based): chrX:154,364,698, G>A on the plus strand (C>T on the coding strand, the complement: FLNA is on the minus strand). VCF-style: chrX-154364698-G-A. GRCh37 (hg19) VCF-style: chrX-153593066-G-A.
Other names: c.1850C>T, p.Ser617Leu (NM_001456.4); short protein forms S617L.
Identifiers: ClinVar variation 190185 (VCV000190185.12), dbSNP rs782193139, ClinGen allele CA274726.